The following is an entry in ClinVar:

NM_000360.4(TH):c.31G>A (p.Ala11Thr)

Gene: TH (tyrosine hydroxylase; minus strand). Cytogenetic location: 11p15.5.
Variant type: single nucleotide variant.
Coding change: c.31G>A on transcript NM_000360.4 (MANE Select); coding-DNA position 31, G replaced by A.
Protein change: p.Ala11Thr; replaces alanine 11 with threonine.
Molecular consequence: missense variant.
Genome position (GRCh38, 1-based): chr11:2,171,756, C>T on the plus strand (G>A on the coding strand, the complement: TH is on the minus strand). VCF-style: chr11-2171756-C-T. GRCh37 (hg19) VCF-style: chr11-2192986-C-T.
Other names: c.31G>A, p.Ala11Thr (NM_199292.3, NM_199293.3); short protein forms A11T.
Identifiers: ClinVar variation 2150468 (VCV002150468.3), dbSNP rs757145977, ClinGen allele CA5818883.
Genomic context (GRCh38, chr11:2,171,756, plus strand): 5'-CCATGATGGCCTCTGCCTGCTTGGCGTCCAGCTCAGACACGGCCCTGCGGAAGCCCTTGG[C>T]CTGTGGCGTGGTGGCGTCGGGGGTGGGCATGGCTCAGTGTGGAGGTCCGGGCTCCGTCTC-3'
Protein context (NP_000351.2, residues 1-21): MPTPDATTPQ[Ala11Thr]KGFRRAVSEL

ClinVar aggregate classification (germline): Uncertain significance (1 of 4 stars; one submission).

Conditions:
TH-deficient dopa-responsive dystonia. Also called: Tyrosine Hydroxylase-Deficient Dopa-Responsive Dystonia; Segawa syndrome, autosomal recessive; DYT-TH. Identifiers: Orphanet 101150, MedGen C2673535, MONDO:0011551, OMIM 605407.

Allele frequency attached by ClinVar (database versions not stated): gnomAD 0.00001; gnomAD exomes 0.00001; TOPMed 0.00001; ExAC 0.00002.
gnomAD v4.1: 4 of 1,612,680 alleles (0.00025%); highest among the groups gnomAD compares: Admixed American, 0.0067%; no homozygotes.

Submission:

Labcorp Genetics (formerly Invitae), Labcorp
Classification: Uncertain significance for TH-deficient dopa-responsive dystonia. Last evaluated: 2026-01-05. Review status: criteria provided, single submitter. Criteria: Invitae Variant Classification Sherloc (09022015). Collection method: clinical testing. Allele origin: germline.
Comment: This sequence change replaces alanine, which is neutral and non-polar, with threonine, which is neutral and polar, at codon 11 of the TH protein (p.Ala11Thr). The frequency data for this variant in the population databases is considered unreliable, as metrics indicate poor data quality at this position in the gnomAD database. This variant has not been reported in the literature in individuals affected with TH-related conditions. ClinVar contains an entry for this variant (Variation ID: 2150468). Invitae Evidence Modeling of protein sequence and biophysical properties (such as structural, functional, and spatial information, amino acid conservation, physicochemical variation, residue mobility, and thermodynamic stability) indicates that this missense variant is not expected to disrupt TH protein function with a negative predictive value of 95%. In summary, the available evidence is currently insufficient to determine the role of this variant in disease. Therefore, it has been classified as a Variant of Uncertain Significance.